The following is an entry in ClinVar:

NM_052947.4(ALPK2):c.2258C>T (p.Pro753Leu)

Gene: ALPK2 (alpha kinase 2; minus strand). Cytogenetic location: 18q21.31.
Variant type: single nucleotide variant.
Coding change: c.2258C>T on transcript NM_052947.4 (MANE Select); coding-DNA position 2258, C replaced by T.
Protein change: p.Pro753Leu; replaces proline 753 with leucine.
Molecular consequence: missense variant.
Genome position (GRCh38, 1-based): chr18:58,537,929, G>A on the plus strand (C>T on the coding strand, the complement: ALPK2 is on the minus strand). VCF-style: chr18-58537929-G-A. GRCh37 (hg19) VCF-style: chr18-56205161-G-A.
Other names: short protein forms P753L.
Identifiers: ClinVar variation 1788547 (VCV001788547.2), dbSNP rs2518877923, ClinGen allele CA402571147.

ClinVar aggregate classification (germline): Uncertain significance (1 of 4 stars; one submission).

Submission:

Ambry Genetics
Classification: Uncertain significance. Last evaluated: 2022-10-24. Review status: criteria provided, single submitter. Criteria: Ambry Variant Classification Scheme 2023. Collection method: clinical testing. Allele origin: germline.
Comment: The p.P753L variant (also known as c.2258C>T), located in coding exon 4 of the ALPK2 gene, results from a C to T substitution at nucleotide position 2258. The proline at codon 753 is replaced by leucine, an amino acid with similar properties. This amino acid position is conserved. In addition, this alteration is predicted to be tolerated by in silico analysis. Since supporting evidence is limited at this time, the clinical significance of this alteration remains unclear.